The following is an entry in ClinVar:

NM_000551.4(VHL):c.414A>G (p.Pro138=)

Genes: VHL (von Hippel-Lindau tumor suppressor; plus strand), LOC107303340 (3p25 von Hippel-Lindau tumor suppressor, E3 ubiquitin protein ligase Alu-mediated recombination region; plus strand). Cytogenetic location: 3p25.3.
Variant type: single nucleotide variant.
Coding change: c.414A>G on transcript NM_000551.4 (MANE Select); coding-DNA position 414, A replaced by G.
Protein change: p.Pro138=; no amino-acid change (proline 138 retained).
Molecular consequence: synonymous variant. On other transcripts: intron variant (2).
Genome position (GRCh38, 1-based): chr3:10,146,587, A>G. VCF-style: chr3-10146587-A-G. GRCh37 (hg19) VCF-style: chr3-10188271-A-G.
Other names: P138P; c.*18-3200A>G (NM_001354723.2); c.341-3200A>G (NM_198156.3).
Identifiers: ClinVar variation 223206 (VCV000223206.20), dbSNP rs869025648, ClinGen allele CA357138.

ClinVar aggregate classification (germline): Pathogenic. Review status: criteria provided, multiple submitters, no conflicts (2 of 4 stars). 7 submissions from 7 submitters: Pathogenic (5). 2 of the submissions do not count toward it. Last evaluated 2025-12-23.

Conditions:
Von Hippel-Lindau syndrome (VHLS). Also called: Von Hippel-Lindau; von Hippel–Lindau syndrome; VHL syndrome. Identifiers: Orphanet 892, MedGen C0019562, MONDO:0008667, OMIM 193300. Disease mechanism: loss of function.
Chuvash polycythemia. Also called: POLYCYTHEMIA, VHL-DEPENDENT. Identifiers: Orphanet 238557, MedGen C1837915, MONDO:0009892, OMIM 263400.
Hereditary cancer-predisposing syndrome. Also called: Tumor predisposition; Hereditary neoplastic syndrome; Neoplastic Syndromes, Hereditary; Hereditary Cancer Syndrome. Identifiers: Orphanet 140162, MedGen C0027672, MeSH D009386, MONDO:0015356.

Submissions (7):

Labcorp Genetics (formerly Invitae), Labcorp
Classification: Pathogenic for Von Hippel-Lindau syndrome; Chuvash polycythemia. Last evaluated: 2025-12-23. Review status: criteria provided, single submitter. Criteria: Invitae Variant Classification Sherloc (09022015). Collection method: clinical testing. Allele origin: germline.
Comment: This sequence change affects codon 138 of the VHL mRNA. It is a 'silent' change, meaning that it does not change the encoded amino acid sequence of the VHL protein. RNA analysis indicates that this variant induces altered splicing and may result in an absent or altered protein product. This variant is not present in population databases (gnomAD no frequency). This variant has been observed in individuals with von Hippel-Lindau (VHL) syndrome-associated tumors and a personal and/or family history of VHL syndrome-associated tumors (PMID: 29891534; internal data). It has also been observed to segregate with disease in related individuals. This variant is also known as P138P. ClinVar contains an entry for this variant (Variation ID: 223206). Studies have shown that this variant results in skipping of exon 2, and produces a non-functional protein and/or introduces a premature termination codon (internal data). For these reasons, this variant has been classified as Pathogenic.

Molecular Pathology, Peter Maccallum Cancer Centre
Classification: Pathogenic for Von Hippel-Lindau syndrome. Last evaluated: 2024-08-07. Review status: criteria provided, single submitter. Criteria: ACMG Guidelines, 2015. Collection method: clinical testing. Allele origin: germline. Inheritance: Autosomal dominant inheritance.

Ambry Genetics
Classification: Pathogenic for Hereditary cancer-predisposing syndrome. Last evaluated: 2021-12-17. Review status: criteria provided, single submitter. Criteria: Ambry Variant Classification Scheme 2023. Collection method: clinical testing. Allele origin: germline.
Comment: The c.414A>G pathogenic mutation (also known as p.P138P), located in coding exon 2 of the VHL gene, results from an A to G substitution at nucleotide position 414. This nucleotide substitution does not change the proline at codon 138. This alteration has been identified in multiple individuals affected with pheochromocytomas, paragangliomas and/or von Hippel-Lindau syndrome (Ambry internal data, Ambry personal communication; Lenglet M et al. Blood. 2018 Aug;132:469-483; Flores SK et al. J Clin Endocrinol Metab, 2019 Apr;:; Liu F et al. BMC Med Genet, 2020 02;21:42; Ma X et al. Front Endocrinol (Lausanne), 2020 Dec;11:574662; Yonamine M et al. Cancers (Basel), 2021 Aug;13:). RT-PCR analysis of patient samples and mini gene assays show this alteration leads to skipping of exon 2 (Lenglet M et al. Blood. 2018 Aug;132:469-483) and internal RNA studies have demonstrated that this alteration results in abnormal splicing in the set of samples tested (Ambry internal data). This nucleotide position is poorly conserved in available vertebrate species. This variant is considered to be rare based on population cohorts in the Genome Aggregation Database (gnomAD). Based on the supporting evidence, this alteration is interpreted as a disease-causing mutation.

Women's Health and Genetics/Laboratory Corporation of America, LabCorp
Classification: Pathogenic for Von Hippel-Lindau syndrome. Last evaluated: 2021-12-01. Review status: criteria provided, single submitter. Criteria: LabCorp Variant Classification Summary - May 2015. Collection method: clinical testing. Allele origin: germline.
Comment: Variant summary: VHL c.414A>G alters a non-conserved nucleotide resulting in a synonymous change. 4/4 computational tools predict no significant impact on normal splicing. However, at least two publication reports experimental evidence that this variant affects mRNA splicing (Flores_2019, Liu_2020). The variant was absent in 251496 control chromosomes. c.414A>G has been reported in the literature in multiple individuals affected with Von Hippel-Lindau Syndrome (Flores_2019, Liu_2020). These data indicate that the variant is very likely to be associated with disease. Five clinical diagnostic laboratories have submitted clinical-significance assessments for this variant to ClinVar after 2014 without evidence for independent evaluation. All laboratories classified the variant as pathogenic/likely pathogenic. Based on the evidence outlined above, the variant was classified as pathogenic.

GeneDx
Classification: Pathogenic. Last evaluated: 2021-05-28. Review status: criteria provided, single submitter. Criteria: GeneDx Variant Classification Process June 2021. Collection method: clinical testing. Allele origin: germline. Affected: yes.
Comment: Published functional studies demonstrate a damaging effect: skipping of exon 2 resulting in increased expression of the isoform lacking exon 2 and an increased expression of target genes (Lenglet 2018, Flores 2019, Liu 2020); Not observed in large population cohorts (Lek et al., 2016); This variant is associated with the following publications: (PMID: 29891534, 30946460, 32106822, 33362715, 25825477, 33151962)

OMIM
Classification: Pathogenic for VON HIPPEL-LINDAU SYNDROME. Last evaluated: 2020-03-05. Review status: no assertion criteria provided. Collection method: literature only. Allele origin: germline. Not counted in ClinVar's aggregate classification.

Genomic Diagnostic Laboratory, Division of Genomic Diagnostics, Children's Hospital of Philadelphia
Classification: Likely pathogenic for Von Hippel-Lindau syndrome. Last evaluated: 2016-02-26. Review status: no assertion criteria provided. Collection method: clinical testing. Allele origin: germline. Affected: yes. Observed: 8 variant alleles. Not counted in ClinVar's aggregate classification.

Literature cited by the submitters: PubMed 29891534 (cited by 3 submitters); PubMed 30946460 (cited by Ambry Genetics and Women's Health and Genetics/Laboratory Corporation of America, LabCorp); PubMed 32106822 (cited by Ambry Genetics and Women's Health and Genetics/Laboratory Corporation of America, LabCorp); PubMed 33362715 (cited by Ambry Genetics); PubMed 34439168 (cited by Ambry Genetics).